The following is an entry in ClinVar:

ClinVar aggregate classification (germline): Pathogenic/Likely pathogenic. Review status: criteria provided, multiple submitters, no conflicts (2 of 4 stars). 13 submissions from 13 submitters: Pathogenic (9); Likely pathogenic (2). 2 of the submissions do not count toward it. Last evaluated 2026-01-27.

Conditions:
Hereditary cancer-predisposing syndrome. Also called: Hereditary Cancer Syndrome; Hereditary neoplastic syndrome; Tumor predisposition; Neoplastic Syndromes, Hereditary. Identifiers: Orphanet 140162, MedGen C0027672, MeSH D009386, MONDO:0015356.
FANCC-related disorder. Also called: FANCC-related condition.
Fanconi anemia (FA). Also called: Fanconi's anemia. Identifiers: Orphanet 84, MedGen C0015625, MeSH D005199, MONDO:0019391.
Fanconi anemia complementation group C (FANCC). Also called: FANCONI PANCYTOPENIA, TYPE 3; FACC; FANCC-Related Fanconi Anemia; Fanconi anemia, group C. Identifiers: Orphanet 84, MedGen C3468041, MONDO:0009213, OMIM 227645.

Submissions (13):

Labcorp Genetics (formerly Invitae), Labcorp
Classification: Pathogenic for Fanconi anemia. Last evaluated: 2026-01-27. Review status: criteria provided, single submitter. Criteria: Invitae Variant Classification Sherloc (09022015). Collection method: clinical testing. Allele origin: germline.
Comment: This sequence change creates a premature translational stop signal (p.Ser119Asnfs*8) in the FANCC gene. It is expected to result in an absent or disrupted protein product. Loss-of-function variants in FANCC are known to be pathogenic (PMID: 17924555). Information on the frequency of this variant in the gnomAD database is not available, as this variant may be reported differently in the database. This premature translational stop signal has been observed in individual(s) with breast or ovarian cancer (PMID: 26681312, 30322717). For these reasons, this variant has been classified as Pathogenic.

Natera, Inc.
Classification: Likely pathogenic for Fanconi anemia. Last evaluated: 2025-12-02. Review status: criteria provided, single submitter. Criteria: Natera Variant Classification Schema (03/2026). Collection method: clinical testing. Allele origin: germline.
Comment: The c.355_360delTCTCATinsA variant in FANCC is a frameshift variant predicted to shift the reading frame beginning at codon 119 and leads to a stop codon 8 codons downstream. This variant is expected to result in nonsense mediated decay, truncation, or a dysfunctional protein product. This variant is rare in the general population with a frequency below the threshold expected for the associated phenotype(s). Given the available evidence, this variant is classified as Likely Pathogenic.

Variantyx, Inc.
Classification: Likely pathogenic for Fanconi anemia complementation group C. Last evaluated: 2025-07-02. Review status: criteria provided, single submitter. Criteria: Variantyx Assertion Criteria 2022. Collection method: clinical testing. Allele origin: germline. Inheritance: Autosomal recessive inheritance. Affected: no.
Comment: This is a frameshift variant in the FANCC gene (OMIM: 613899). Pathogenic variants in this gene have been associated with autosomal recessive Fanconi anemia of complementation group C. This variant introduces a premature termination codon in exon 5 out of 15 and is expected to result in loss of function, which is a known disease mechanism for FANCC in this disorder (PMID: 17924555) (PVS1). This variant has a 0.0734% maximum allele frequency in non-founder control populations (PM2). Based on the current evidence, this variant is classified as likely pathogenic for autosomal recessive Fanconi anemia of complementation group C.

St. Jude Molecular Pathology, St. Jude Children's Research Hospital
Classification: Pathogenic for Fanconi anemia complementation group C. Last evaluated: 2024-09-24. Review status: criteria provided, single submitter. Criteria: St. Jude Assertion Criteria 2020. Collection method: clinical testing. Allele origin: germline.
Comment: The FANCC c.355_360delinsA (p.Ser119AsnfsTer8) change causes a frameshift and the creation of a premature stop codon. This change is predicted to cause protein truncation or absence of the protein due to nonsense mediated decay. This variant is absent in gnomAD v2.1.1. Although this variant has not been reported in the literature in individuals with Fanconi anemia, downstream truncating variants have been identified in individuals with Fanconi anemia (PMID: 7689011, 16429406, 32487094). In summary, this variant meets criteria to be classified as pathogenic.

Fulgent Genetics
Classification: Pathogenic for Fanconi anemia complementation group C. Last evaluated: 2024-05-28. Review status: criteria provided, single submitter. Criteria: ACMG Guidelines, 2015. Collection method: clinical testing. Allele origin: germline.

Baylor Genetics
Classification: Pathogenic for Fanconi anemia complementation group C. Last evaluated: 2024-03-21. Review status: criteria provided, single submitter. Criteria: ACMG Guidelines, 2015. Collection method: clinical testing. Allele origin: unknown.

Ambry Genetics
Classification: Pathogenic for Hereditary cancer-predisposing syndrome. Last evaluated: 2024-01-19. Review status: criteria provided, single submitter. Criteria: Ambry Variant Classification Scheme 2023. Collection method: clinical testing. Allele origin: germline.
Comment: The c.355_360delTCTCATinsA pathogenic mutation, located in coding exon 4 of the FANCC gene, results from the deletion of 6 nucleotides and insertion of one nucleotide causing a translational frameshift with a predicted alternate stop codon (p.S119Nfs*8). Multiple studies have reported this variant in patients with a personal and/or family history of breast cancer (Thompson ER et al. PLoS Genet, 2012 Sep;8:e1002894; Susswein LR et al. Genet Med, 2016 08;18:823-32; Frey MK et al. Gynecol Oncol, 2017 07;146:123-128; Palmer JR et al. J Natl Cancer Inst, 2020 Dec;112:1213-1221). This variant is considered to be rare based on population cohorts in the Genome Aggregation Database (gnomAD). This alteration is expected to result in loss of function by premature protein truncation or nonsense-mediated mRNA decay. As such, this alteration is interpreted as a disease-causing mutation.

Quest Diagnostics Nichols Institute San Juan Capistrano
Classification: Pathogenic. Last evaluated: 2023-01-19. Review status: criteria provided, single submitter. Criteria: Quest Diagnostics criteria. Collection method: clinical testing. Allele origin: unknown.
Comment: This frameshift variant alters the translational reading frame of the FANCC mRNA and causes the premature termination of FANCC protein synthesis. This variant has not been reported in large, multi-ethnic general populations. In the published literature, the variant has been reported in individuals with breast cancer (PMID: 32427313 (2020), 28495237 (2017), 26681312 (2015)) and ovarian cancer (PMID: 30322717 (2018)). It has also been reported in unaffected individuals (PMID: 32427313 (2020)). Based on the available information, this variant is classified as pathogenic.

GeneDx
Classification: Pathogenic. Last evaluated: 2022-01-20. Review status: criteria provided, single submitter. Criteria: GeneDx Variant Classification Process June 2021. Collection method: clinical testing. Allele origin: germline. Affected: yes.
Comment: Frameshift variant predicted to result in protein truncation or nonsense mediated decay in a gene for which loss-of-function is a known mechanism of disease; Observed in several probands with a personal and/or family history of breast and/or ovarian cancer (Frey 2017, Carter 2018, Palmer 2020); Not observed in large population cohorts (gnomAD); This variant is associated with the following publications: (PMID: 7689011, 28495237, 30322717, 26681312, 23028338, 32227564, 32427313)

Women's Health and Genetics/Laboratory Corporation of America, LabCorp
Classification: Pathogenic for Fanconi anemia, complementation group C. Last evaluated: 2020-10-09. Review status: criteria provided, single submitter. Criteria: LabCorp Variant Classification Summary - May 2015. Collection method: clinical testing. Allele origin: germline.
Comment: Variant summary: FANCC c.355_360delinsA (p.Ser119AsnfsX8) results in a premature termination codon, predicted to cause a truncation of the encoded protein or absence of the protein due to nonsense mediated decay, which are commonly known mechanisms for disease. Truncations downstream of this position have been classified as pathogenic by our laboratory. The variant was absent in 282396 control chromosomes. c.355_360delinsA has been reported in the literature in individuals affected with breast cancer (example, Susswein_2015, Frey_2017) and ovarian cancer (Carter_2018). A similar variant has also been reported as a homozygous genotype in an individual affected with Fanconi Anemia Group C (reported as c.356_360del, p.Ser119Tyrfs*8, Ameziane_2007). These data indicate that the variant is very likely to be associated with disease. To our knowledge, no experimental evidence demonstrating an impact on protein function has been reported. Four clinical diagnostic laboratories have submitted clinical-significance assessments for this variant to ClinVar after 2014 without evidence for independent evaluation. Some submitters cite overlapping evidence utilized in the context of this evaluation. All submitters classified the variant as pathogenic. Based on the evidence outlined above, the variant was classified as pathogenic.

Revvity Omics, Revvity
Classification: Pathogenic for Fanconi anemia complementation group C. Last evaluated: 2019-08-14. Review status: criteria provided, single submitter. Criteria: ACMG Guidelines, 2015. Collection method: clinical testing. Allele origin: germline.

PreventionGenetics, part of Exact Sciences
Classification: Pathogenic for FANCC-related condition. Last evaluated: 2024-05-30. Review status: no assertion criteria provided. Collection method: clinical testing. Allele origin: germline. Not counted in ClinVar's aggregate classification.
Comment: The FANCC c.355_360delinsA variant is predicted to result in a frameshift and premature protein termination (p.Ser119Asnfs*8). This variant has been observed in at least three patients with breast cancer (Susswein et al. 2016. PubMed ID: 26681312). A similar variant defined as c.356_360delCTCAT, which results in the same frameshift and premature protein truncation, was observed in the homozygous state in a patient with Fanconi anemia (Ameziane et al. 2008. PubMed ID: 17924555). This variant is not present in a large population database, indicating it is rare. This variant is classified as pathogenic by a number of laboratories in ClinVar. Variants in FANCC resulting in premature protein termination and loss of function are known causes of FANCC-related disease and we categorize this variant as pathogenic.

Leiden Open Variation Database
Classification: Pathogenic for Fanconi anemia complementation group C. Last evaluated: 2020-02-28. Review status: no assertion criteria provided. Collection method: curation. Allele origin: germline. Affected: yes. Not counted in ClinVar's aggregate classification.
Comment: Curator: Arleen D. Auerbach. Submitter to LOVD: Arleen D. Auerbach.

Literature cited by the submitters: PubMed 17924555 (cited by 3 submitters); PubMed 26681312 (cited by 4 submitters); PubMed 30322717 (cited by 3 submitters); PubMed 23028338 (cited by Ambry Genetics); PubMed 28495237 (cited by 3 submitters); PubMed 32427313 (cited by Ambry Genetics and Quest Diagnostics Nichols Institute San Juan Capistrano).

NM_000136.3(FANCC):c.355_360delinsA (p.Ser119fs)

Gene: FANCC (FA complementation group C; minus strand). Cytogenetic location: 9q22.32.
Variant type: Indel.
Coding change: c.355_360delinsA on transcript NM_000136.3 (MANE Select); coding-DNA positions 355 to 360, TCTCAT replaced by A.
Protein change: p.Ser119fs; shifts the reading frame from serine 119.
Molecular consequence: frameshift variant.
Genome position (GRCh38, 1-based): chr9:95,172,133-95,172,138, ATGAGA replaced by T on the plus strand (TCTCAT replaced by A on the coding strand, the reverse complement: FANCC is on the minus strand). VCF-style: chr9-95172133-ATGAGA-T. GRCh37 (hg19) VCF-style: chr9-97934415-ATGAGA-T.
Other names: c.355_360delinsA, p.Ser119fs (NM_001243743.2, NM_001243744.2); short protein forms S119fs.
Identifiers: ClinVar variation 127540 (VCV000127540.26), dbSNP rs587779904, ClinGen allele CA287209.